The following is an entry in ClinVar:

NM_000169.3(GLA):c.602C>T (p.Ser201Phe)

Genes: GLA (galactosidase alpha; minus strand), RPL36A-HNRNPH2 (RPL36A-HNRNPH2 readthrough; plus strand). Cytogenetic location: Xq22.1.
Variant type: single nucleotide variant.
Coding change: c.602C>T on transcript NM_000169.3 (MANE Select); coding-DNA position 602, C replaced by T.
Protein change: p.Ser201Phe; replaces serine 201 with phenylalanine.
Molecular consequence: missense variant. On other transcripts: non-coding transcript variant (2), intron variant (2).
Genome position (GRCh38, 1-based): chrX:101,400,703, G>A on the plus strand (C>T on the coding strand, the complement: GLA is on the minus strand). VCF-style: chrX-101400703-G-A. GRCh37 (hg19) VCF-style: chrX-100655691-G-A.
Other names: c.725C>T, p.Ser242Phe (NM_001406747.1); c.602C>T, p.Ser201Phe (NM_001406748.1); c.300+5246G>A (NM_001199973.2); c.177+8881G>A (NM_001199974.2); short protein forms S201F, S242F.
Identifiers: ClinVar variation 2690611 (VCV002690611.4), dbSNP rs2520886754, ClinGen allele CA413927379.

ClinVar aggregate classification (germline): Pathogenic/Likely pathogenic. Review status: criteria provided, multiple submitters, no conflicts (2 of 4 stars). 2 submissions from 2 submitters: Pathogenic (1); Likely pathogenic (1). Last evaluated 2026-09-08.

Conditions:
Fabry disease. Also called: ALPHA-GALACTOSIDASE A DEFICIENCY; ANDERSON-FABRY DISEASE; CERAMIDE TRIHEXOSIDASE DEFICIENCY; GLA DEFICIENCY; HEREDITARY DYSTOPIC LIPIDOSIS; Fabry's disease. Identifiers: Orphanet 324, MedGen C0002986, MONDO:0010526, OMIM 301500, HP:0001071. Disease mechanism: Fabry disease is due to inactivating mutations in the X-linked GLA gene resulting in deficiency of the enzyme Alpha Galactosidase-A., loss of function.

Submissions (2):

Genomenon, Inc
Classification: Pathogenic for Fabry disease. Last evaluated: 2026-09-08. Review status: criteria provided, single submitter. Criteria: Genomenon Sequence Variant Interpretation Standards - Updated. Collection method: curation. Allele origin: germline. Affected: yes.
Comment: GLA p.Ser201Phe (c.602C>T) is a missense variant that changes the amino acid at codon 201 from Serine to Phenylalanine. This variant has been observed in at least one proband with clinical features consistent with Fabry disease (PMID:16595074). A de novo occurrence of this variant has been observed in at least one affected individual (PMID:16595074). At least one functional study has demonstrated a substantial alteration in protein function relative to the wild-type (PMID:27657681). This variant is located in a mutational hotspot and/or important functional domain. It is absent or not present at a significant frequency in gnomAD. In silico models predict that this variant is possibly or probably damaging. In conclusion, we classify GLA p.Ser201Phe (c.602C>T) as a pathogenic variant.

Revvity Omics, Revvity
Classification: Likely pathogenic. Last evaluated: 2023-08-03. Review status: criteria provided, single submitter. Criteria: ACMG Guidelines, 2015. Collection method: clinical testing. Allele origin: germline.

Literature cited by the submitters: PubMed 16595074 (cited by Genomenon, Inc); PubMed 27657681 (cited by Genomenon, Inc).